The following is an entry in ClinVar:

ClinVar aggregate classification (germline): Pathogenic. Review status: criteria provided, single submitter (1 of 4 stars). 2 submissions from 2 submitters: Pathogenic (1). 1 of the submissions does not count toward it. Last evaluated 2023-10-28.

Conditions:
Xeroderma pigmentosum, group C (XPC). Also called: Xeroderma pigmentosum, complementation group C; XPC-Related Xeroderma Pigmentosum; XERODERMA PIGMENTOSUM III; XP, GROUP C. Identifiers: Orphanet 910, MedGen C2752147, MONDO:0010211, OMIM 278720.

Submissions (2):

Labcorp Genetics (formerly Invitae), Labcorp
Classification: Pathogenic. Last evaluated: 2023-10-28. Review status: criteria provided, single submitter. Criteria: Invitae Variant Classification Sherloc (09022015). Collection method: clinical testing. Allele origin: germline.
Comment: This sequence change creates a premature translational stop signal (p.Thr563Profs*4) in the XPC gene. It is expected to result in an absent or disrupted protein product. Loss-of-function variants in XPC are known to be pathogenic (PMID: 23173980, 25256075). This variant is not present in population databases (gnomAD no frequency). This variant has not been reported in the literature in individuals affected with XPC-related conditions. ClinVar contains an entry for this variant (Variation ID: 558522). For these reasons, this variant has been classified as Pathogenic.

Counsyl
Classification: Likely pathogenic for Xeroderma pigmentosum, group C. Last evaluated: 2018-05-24. Review status: no assertion criteria provided. Collection method: clinical testing. Allele origin: unknown. Not counted in ClinVar's aggregate classification.

Literature cited by the submitters: PubMed 23173980 (cited by Labcorp Genetics (formerly Invitae), Labcorp); PubMed 25256075 (cited by Labcorp Genetics (formerly Invitae), Labcorp).

NM_004628.5(XPC):c.1686del (p.Thr563fs)

Gene: XPC (XPC complex subunit, DNA damage recognition and repair factor; minus strand). Cytogenetic location: 3p25.1.
Variant type: Deletion.
Coding change: c.1686del on transcript NM_004628.5 (MANE Select); coding-DNA position 1686, one base deleted (C; older notation c.1686delC).
Protein change: p.Thr563fs; shifts the reading frame from threonine 563.
Molecular consequence: frameshift variant. On other transcripts: non-coding transcript variant (2), intron variant (1).
Genome position (GRCh38, 1-based): chr3:14,158,197, G deleted on the plus strand (C on the coding strand, the reverse complement: XPC is on the minus strand); the first of 2 consecutive G bases (chr3:14,158,197-14,158,198); deleting either gives the same sequence. VCF-style (leftmost placement, unchanged base first): chr3-14158196-TG-T. GRCh37 (hg19) VCF-style: chr3-14199696-TG-T.
Other names: c.1686delC (NM_004628.4); c.1107del, p.Thr370fs (NM_001354726.2); c.1686del, p.Thr563fs (NM_001354727.2); c.1668del, p.Thr557fs (NM_001354729.2); c.1626+60del (NM_001354730.2); short protein forms T370fs, T557fs, T563fs.
Identifiers: ClinVar variation 558522 (VCV000558522.5), dbSNP rs1553605655, ClinGen allele CA658821924.
Genomic context (GRCh38, chr3:14,158,196, plus strand): 5'-GTGTGACATCTCGGACCCAGCCGTCACTGTCAATGCCCACCACATAGGTCATGGGCTTGG[TG>T]GCGTACTTGTAACAGGTCAGAGGCTGGCCCACCACACCGTGCACACAGTCTACACATACC-3'